The following is an entry in ClinVar:

NM_015662.3(IFT172):c.1355G>A (p.Gly452Glu)

Gene: IFT172 (intraflagellar transport 172; minus strand). Cytogenetic location: 2p23.3.
Variant type: single nucleotide variant.
Coding change: c.1355G>A on transcript NM_015662.3 (MANE Select); coding-DNA position 1355, G replaced by A.
Protein change: p.Gly452Glu; replaces glycine 452 with glutamic acid.
Molecular consequence: missense variant.
Genome position (GRCh38, 1-based): chr2:27,476,697, C>T on the plus strand (G>A on the coding strand, the complement: IFT172 is on the minus strand). VCF-style: chr2-27476697-C-T. GRCh37 (hg19) VCF-style: chr2-27699564-C-T.
Other names: c.1355G>A (NM_015662.2); short protein forms G452E.
Identifiers: ClinVar variation 1348799 (VCV001348799.8), dbSNP rs763724145, ClinGen allele CA1580685.

ClinVar aggregate classification (germline): Uncertain significance. Review status: criteria provided, multiple submitters, no conflicts (2 of 4 stars). 2 submissions from 2 submitters: Uncertain significance (2). Last evaluated 2025-03-19.

Conditions:
IFT172-related disorder. Also called: IFT172-related condition; IFT172-related disorders.
Retinitis pigmentosa 71 (RP71). Identifiers: Orphanet 791, MedGen C4225342, MONDO:0014618, OMIM 616394.
Short-rib thoracic dysplasia 10 with or without polydactyly (SRTD10). Identifiers: Orphanet 474, MedGen C3810175, MONDO:0014284, OMIM 615630.

Allele frequency attached by ClinVar (database versions not stated): gnomAD exomes below 0.00001 and 0.00001; ExAC 0.00002.
gnomAD v4.1: 8 of 1,612,572 alleles (0.0005%); highest among the groups gnomAD compares: South Asian, 0.0066%; no homozygotes.

Submissions (2):

PreventionGenetics, part of Exact Sciences
Classification: Uncertain significance for IFT172-related condition. Last evaluated: 2025-03-19. Review status: criteria provided, single submitter. Criteria: ACMG Guidelines, 2015. Collection method: clinical testing. Allele origin: germline.
Comment: The IFT172 c.1355G>A variant is predicted to result in the amino acid substitution p.Gly452Glu. To our knowledge, this variant has not been reported in the literature. This variant is reported in 0.0033% of alleles in individuals of South Asian descent in gnomAD. At this time, the clinical significance of this variant is uncertain due to the absence of conclusive functional and genetic evidence.

Labcorp Genetics (formerly Invitae), Labcorp
Classification: Uncertain significance for Retinitis pigmentosa 71; Short-rib thoracic dysplasia 10 with or without polydactyly. Last evaluated: 2020-12-22. Review status: criteria provided, single submitter. Criteria: Invitae Variant Classification Sherloc (09022015). Collection method: clinical testing. Allele origin: germline.
Comment: This variant is present in population databases (rs763724145, ExAC 0.01%). This variant has not been reported in the literature in individuals with IFT172-related conditions. Algorithms developed to predict the effect of missense changes on protein structure and function are either unavailable or do not agree on the potential impact of this missense change (SIFT: "Deleterious"; PolyPhen-2: "Benign"; Align-GVGD: "Class C0"). In summary, the available evidence is currently insufficient to determine the role of this variant in disease. Therefore, it has been classified as a Variant of Uncertain Significance. This sequence change replaces glycine with glutamic acid at codon 452 of the IFT172 protein (p.Gly452Glu). The glycine residue is moderately conserved and there is a moderate physicochemical difference between glycine and glutamic acid.